The following is an entry in ClinVar:

NM_001754.5(RUNX1):c.340A>G (p.Ile114Val)

Gene: RUNX1 (RUNX family transcription factor 1; minus strand). Cytogenetic location: 21q22.12.
Variant type: single nucleotide variant.
Coding change: c.340A>G on transcript NM_001754.5 (MANE Select); coding-DNA position 340, A replaced by G.
Protein change: p.Ile114Val; replaces isoleucine 114 with valine.
Molecular consequence: missense variant.
Genome position (GRCh38, 1-based): chr21:34,886,854, T>C on the plus strand (A>G on the coding strand, the complement: RUNX1 is on the minus strand). VCF-style: chr21-34886854-T-C. GRCh37 (hg19) VCF-style: chr21-36259151-T-C.
Other names: NM_001754.5(RUNX1):c.340A>G; p.Ile114Val; c.340A>G (NM_001754.4); c.259A>G, p.Ile87Val (NM_001001890.3, NM_001122607.2); short protein forms I114V, I87V.
Identifiers: ClinVar variation 1491076 (VCV001491076.11), dbSNP rs2146407952, ClinGen allele CA410203388.
Genomic context (GRCh38, chr21:34,886,854, plus strand): 5'-GCCTCGCCGGCCTCCGCCTGTCCTCCCACCACCCTCTCCGGGCCAGTACCTTGAAAGCGA[T>C]GGGCAGGGTCTTGTTGCAGCGCCAGTGCGTAGGCAGCACGGAGCAGAGGAAGTTGGGGCT-3'
Protein context (NP_001745.2, residues 104-124): THWRCNKTLP[Ile114Val]AFKVVALGDV

ClinVar aggregate classification (germline): Uncertain significance. Review status: reviewed by expert panel (3 of 4 stars). 4 submissions from 4 submitters: Uncertain significance (1). 3 of the submissions do not count toward it. Last evaluated 2025-01-15.

Conditions:
Hereditary thrombocytopenia and hematologic cancer predisposition syndrome. Identifiers: Orphanet 71290, MedGen CN281654, MONDO:0011071.
Acute myeloid leukemia (AML). Also called: Leukemia, acute myeloid, somatic; Leukemia, acute myelogenous, somatic; Acute myeloid leukemia, adult; AML adult; Acute non-lymphocytic leukemia; Acute granulocytic leukemia. Identifiers: Orphanet 519, MedGen C0023467, MeSH D015470, MONDO:0018874, OMIM 601626, HP:0004808. Disease mechanism: Constitutively activated FLT3.
Hereditary thrombocytopenia and hematological cancer predisposition syndrome associated with RUNX1. Also called: Familial Platelet Disorder with Propensity to Acute Myelogenous Leukemia; Familial thrombocytopenia with propensity to acute myelogenous leukemia; PLATELET DISORDER, ASPIRIN-LIKE; RUNX1 Familial Platelet Disorder with Associated Myeloid Malignancies. Identifiers: Orphanet 71290, MedGen C1832388, MeSH C563324, MONDO:0100083, OMIM 601399.
Inborn genetic diseases. Identifiers: MedGen C0950123, MeSH D030342.

Allele frequency attached by ClinVar (database versions not stated): gnomAD exomes below 0.00001.
gnomAD v4.1: 3 of 1,613,364 alleles (0.00019%); highest among the groups gnomAD compares: East Asian, 0.0022%; no homozygotes.

Submissions (4):

ClinGen Myeloid Malignancy Variant Curation Expert Panel
Classification: Uncertain significance for Hereditary thrombocytopenia and hematologic cancer predisposition syndrome. Last evaluated: 2025-01-15. Review status: reviewed by expert panel. Criteria: ClinGen MyeloMalig ACMG Specifications v2. Collection method: curation. Allele origin: germline. Inheritance: Autosomal dominant inheritance.
Comment: NM_001754.5(RUNX1):c.340A>G (p.Ile114Val) is a missense variant which is located within the Runt Homology Domain (AA 89-204) but does not occur in an established hotspot residue (PM1_supporting). In summary, the clinical significance of this variant is uncertain. ACMG/AMP criteria applied, as specified by the Myeloid Malignancy Variant Curation Expert Panel for RUNX1: PM1_supporting.

Ambry Genetics
Classification: Uncertain significance for Inborn genetic diseases. Last evaluated: 2025-06-12. Review status: criteria provided, single submitter. Criteria: Ambry Variant Classification Scheme 2023. Collection method: clinical testing. Allele origin: germline. Not counted in ClinVar's aggregate classification.
Comment: The p.I114V variant (also known as c.340A>G), located in coding exon 3 of the RUNX1 gene, results from an A to G substitution at nucleotide position 340. The isoleucine at codon 114 is replaced by valine, an amino acid with highly similar properties. This amino acid position is well conserved in available vertebrate species; however, valine is the reference amino acid in other vertebrate species. In addition, the in silico prediction for this alteration is inconclusive. Based on the available evidence, the clinical significance of this variant remains unclear.

Labcorp Genetics (formerly Invitae), Labcorp
Classification: Uncertain significance for Hereditary thrombocytopenia and hematological cancer predisposition syndrome associated with RUNX1. Last evaluated: 2024-10-07. Review status: criteria provided, single submitter. Criteria: Invitae Variant Classification Sherloc (09022015). Collection method: clinical testing. Allele origin: germline. Not counted in ClinVar's aggregate classification.
Comment: This sequence change replaces isoleucine, which is neutral and non-polar, with valine, which is neutral and non-polar, at codon 114 of the RUNX1 protein (p.Ile114Val). This variant is not present in population databases (gnomAD no frequency). This variant has not been reported in the literature in individuals affected with RUNX1-related conditions. ClinVar contains an entry for this variant (Variation ID: 1491076). Invitae Evidence Modeling of protein sequence and biophysical properties (such as structural, functional, and spatial information, amino acid conservation, physicochemical variation, residue mobility, and thermodynamic stability) has been performed for this missense variant. However, the output from this modeling did not meet the statistical confidence thresholds required to predict the impact of this variant on RUNX1 protein function. In summary, the available evidence is currently insufficient to determine the role of this variant in disease. Therefore, it has been classified as a Variant of Uncertain Significance.

Baylor Genetics
Classification: Uncertain significance for Acute myeloid leukemia. Last evaluated: 2023-06-13. Review status: criteria provided, single submitter. Criteria: ACMG Guidelines, 2015. Collection method: clinical testing. Allele origin: unknown. Not counted in ClinVar's aggregate classification.